The following is an entry in ClinVar:

ClinVar aggregate classification (germline): Uncertain significance (1 of 4 stars; one submission).

Conditions:
Neurodevelopmental disorder with or without hyperkinetic movements and seizures, autosomal dominant. Also called: Intellectual disability, autosomal dominant 8. Identifiers: MedGen C3280282, MONDO:0013655, OMIM 614254.

Submission:

Labcorp Genetics (formerly Invitae), Labcorp
Classification: Uncertain significance for Neurodevelopmental disorder with or without hyperkinetic movements and seizures, autosomal dominant. Last evaluated: 2025-09-21. Review status: criteria provided, single submitter. Criteria: Invitae Variant Classification Sherloc (09022015). Collection method: clinical testing. Allele origin: germline.
Comment: This sequence change replaces arginine, which is basic and polar, with cysteine, which is neutral and slightly polar, at codon 801 of the GRIN1 protein (p.Arg801Cys). This variant is not present in population databases (gnomAD no frequency). This variant has not been reported in the literature in individuals affected with GRIN1-related conditions. Invitae Evidence Modeling of protein sequence and biophysical properties (such as structural, functional, and spatial information, amino acid conservation, physicochemical variation, residue mobility, and thermodynamic stability) indicates that this missense variant is expected to disrupt GRIN1 protein function with a positive predictive value of 95%. In summary, the available evidence is currently insufficient to determine the role of this variant in disease. Therefore, it has been classified as a Variant of Uncertain Significance.

NM_007327.4(GRIN1):c.2401C>T (p.Arg801Cys)

Gene: GRIN1 (glutamate ionotropic receptor NMDA type subunit 1; plus strand). Cytogenetic location: 9q34.3.
Variant type: single nucleotide variant.
Coding change: c.2401C>T on transcript NM_007327.4 (MANE Select); coding-DNA position 2401, C replaced by T.
Protein change: p.Arg801Cys; replaces arginine 801 with cysteine.
Molecular consequence: missense variant.
Genome position (GRCh38, 1-based): chr9:137,163,626, C>T. VCF-style: chr9-137163626-C-T. GRCh37 (hg19) VCF-style: chr9-140058078-C-T.
Other names: c.2401C>T, p.Arg801Cys (NM_000832.7, NM_021569.4); c.2464C>T, p.Arg822Cys (NM_001185090.2, NM_001185091.2, NM_001437330.1 and 1 more transcripts); short protein forms R801C, R822C.
Identifiers: ClinVar variation 4747308 (VCV004747308.1).